The following is an entry in ClinVar:

NM_001303.4(COX10):c.982G>A (p.Ala328Thr)

Gene: COX10 (cytochrome c oxidase assembly factor heme A:farnesyltransferase COX10; plus strand). Cytogenetic location: 17p12.
Variant type: single nucleotide variant.
Coding change: c.982G>A on transcript NM_001303.4 (MANE Select); coding-DNA position 982, G replaced by A.
Protein change: p.Ala328Thr; replaces alanine 328 with threonine.
Molecular consequence: missense variant.
Genome position (GRCh38, 1-based): chr17:14,206,863, G>A. VCF-style: chr17-14206863-G-A. GRCh37 (hg19) VCF-style: chr17-14110180-G-A.
Other names: short protein forms A328T.
Identifiers: ClinVar variation 547867 (VCV000547867.10), dbSNP rs777911169, ClinGen allele CA8402501.

ClinVar aggregate classification (germline): Conflicting classifications of pathogenicity. Review status: criteria provided, conflicting classifications (1 of 4 stars). 3 submissions from 3 submitters: Likely pathogenic (1); Uncertain significance (2). Last evaluated 2022-10-13.

Conditions:
Mitochondrial complex IV deficiency, nuclear type 1 (MC4DN1). Also called: Mitochondrial complex IV deficiency; Complex 4 mitochondrial respiratory chain deficiency; Deficiency of mitochondrial respiratory chain complex4; Complex IV deficiency; COX DEFICIENCY. Identifiers: MedGen C5435656, MONDO:0700250, OMIM 220110. Disease mechanism: loss of function.

Allele frequency attached by ClinVar (database versions not stated): gnomAD exomes 0.00002 and below 0.00001; ExAC 0.00001; gnomAD 0.00001; TOPMed 0.00001.
gnomAD v4.1: 34 of 1,613,984 alleles (0.0021%); highest among the groups gnomAD compares: Non-Finnish European, 0.0028%; no homozygotes.

Submissions (4):

Labcorp Genetics (formerly Invitae), Labcorp
Classification: Uncertain significance. Last evaluated: 2022-10-13. Review status: criteria provided, single submitter. Criteria: Invitae Variant Classification Sherloc (09022015). Collection method: clinical testing. Allele origin: germline.
Comment: This sequence change replaces alanine, which is neutral and non-polar, with threonine, which is neutral and polar, at codon 328 of the COX10 protein (p.Ala328Thr). The frequency data for this variant in the population databases is considered unreliable, as metrics indicate poor data quality at this position in the gnomAD database. This missense change has been observed in individual(s) with complex IV deficiency (PMID: 32313153). ClinVar contains an entry for this variant (Variation ID: 547867). Advanced modeling of protein sequence and biophysical properties (such as structural, functional, and spatial information, amino acid conservation, physicochemical variation, residue mobility, and thermodynamic stability) performed at Invitae indicates that this missense variant is not expected to disrupt COX10 protein function. In summary, the available evidence is currently insufficient to determine the role of this variant in disease. Therefore, it has been classified as a Variant of Uncertain Significance.

Mayo Clinic Laboratories, Mayo Clinic
Classification: Uncertain significance for Mitochondrial complex IV deficiency, nuclear type 1. Last evaluated: 2016-09-22. Review status: criteria provided, single submitter. Criteria: ACMG Guidelines, 2015. Collection method: clinical testing. Allele origin: de novo.

Kids Research, The Children's Hospital at Westmead
Classification: Likely pathogenic for Mitochondrial complex IV deficiency, nuclear type 1. Review status: criteria provided, single submitter. Criteria: ACMG Guidelines, 2015. Collection method: research. Allele origin: inherited. Inheritance: Autosomal recessive inheritance. Affected: yes.

Johnston Lab, North Central College
No classification provided (evidence only). Review status: no classification provided. Collection method: in vitro. Allele origin: not applicable. Functional consequence: functionally_normal. Not counted in ClinVar's aggregate classification.
ClinVar note: "not provided" was previously submitted as the classification for the variant. However, the classification appeared to be based only on an observation of functional data so it was converted to no classification on 2025-07-30.

Literature cited by the submitters: PubMed 32313153 (cited by Labcorp Genetics (formerly Invitae), Labcorp and Kids Research, The Children's Hospital at Westmead).